The following is an entry in ClinVar:

NM_000455.5(STK11):c.848C>G (p.Ser283Cys)

Gene: STK11 (serine/threonine kinase 11; plus strand). Cytogenetic location: 19p13.3.
Variant type: single nucleotide variant.
Coding change: c.848C>G on transcript NM_000455.5 (MANE Select); coding-DNA position 848, C replaced by G.
Protein change: p.Ser283Cys; replaces serine 283 with cysteine.
Molecular consequence: missense variant.
Genome position (GRCh38, 1-based): chr19:1,221,326, C>G. VCF-style: chr19-1221326-C-G. GRCh37 (hg19) VCF-style: chr19-1221325-C-G.
Other names: short protein forms S283C.
Identifiers: ClinVar variation 923465 (VCV000923465.4), dbSNP rs2080782934, ClinGen allele CA402950730.
Genomic context (GRCh38, chr19:1,221,326, plus strand): 5'-TGTTTGAGAACATCGGGAAGGGGAGCTACGCCATCCCGGGCGACTGTGGCCCCCCGCTCT[C>G]TGACCTGCTGAAAGGTGGGAGCCTCATCCCTCTGCCCGCAGCCCCAGGGAGGCGGGGCTT-3'
Protein context (NP_000446.1, residues 273-293): AIPGDCGPPL[Ser283Cys]DLLKGMLEYE

ClinVar aggregate classification (germline): Uncertain significance (1 of 4 stars; one submission).

Conditions:
Hereditary cancer-predisposing syndrome. Also called: Neoplastic Syndromes, Hereditary; Tumor predisposition; Hereditary Cancer Syndrome; Hereditary neoplastic syndrome. Identifiers: Orphanet 140162, MedGen C0027672, MeSH D009386, MONDO:0015356.

Submission:

Color Diagnostics, LLC DBA Color Health
Classification: Uncertain significance for Hereditary cancer-predisposing syndrome. Last evaluated: 2024-03-06. Review status: criteria provided, single submitter. Criteria: ACMG Guidelines, 2015. Collection method: clinical testing. Allele origin: germline.
Comment: This missense variant replaces serine with cysteine at codon 283 of the STK11 protein. Computational prediction suggests that this variant may not impact protein structure and function (internally defined REVEL score threshold <= 0.5, PMID: 27666373). Splice site prediction tools suggest that this variant may not impact RNA splicing. To our knowledge, functional studies have not been performed for this variant. This variant has not been reported in individuals affected with hereditary cancer in the literature. This variant has not been identified in the general population by the Genome Aggregation Database (gnomAD). The available evidence is insufficient to determine the role of this variant in disease conclusively. Therefore, this variant is classified as a Variant of Uncertain Significance.